The following is an entry in ClinVar:

NM_001429.4(EP300):c.2983G>A (p.Glu995Lys)

Genes: EP300 (E1A binding protein p300; plus strand), LOC126863158 (BRD4-independent group 4 enhancer GRCh37_chr22:41547383-41548582; plus strand). Cytogenetic location: 22q13.2.
Variant type: single nucleotide variant.
Coding change: c.2983G>A on transcript NM_001429.4 (MANE Select); coding-DNA position 2983, G replaced by A.
Protein change: p.Glu995Lys; replaces glutamic acid 995 with lysine.
Molecular consequence: missense variant.
Genome position (GRCh38, 1-based): chr22:41,151,998, G>A. VCF-style: chr22-41151998-G-A. GRCh37 (hg19) VCF-style: chr22-41548002-G-A.
Other names: c.2905G>A, p.Glu969Lys (NM_001362843.2); short protein forms E969K, E995K.
Identifiers: ClinVar variation 1314392 (VCV001314392.2), dbSNP rs1555909666, ClinGen allele CA411693102.

ClinVar aggregate classification (germline): Uncertain significance (1 of 4 stars; one submission).

Submission:

GeneDx
Classification: Uncertain significance. Last evaluated: 2021-04-09. Review status: criteria provided, single submitter. Criteria: GeneDx Variant Classification Process June 2021. Collection method: clinical testing. Allele origin: germline. Affected: yes.
Comment: Not observed in large population cohorts (Lek et al., 2016); In silico analysis supports that this missense variant does not alter protein structure/function; Has not been previously published as pathogenic or benign to our knowledge